The following is an entry in ClinVar:

NM_000043.6(FAS):c.628C>T (p.His210Tyr)

Gene: FAS (Fas cell surface death receptor; plus strand). Cytogenetic location: 10q23.31.
Variant type: single nucleotide variant.
Coding change: c.628C>T on transcript NM_000043.6 (MANE Select); coding-DNA position 628, C replaced by T.
Protein change: p.His210Tyr; replaces histidine 210 with tyrosine.
Molecular consequence: missense variant. On other transcripts: non-coding transcript variant (6), intron variant (1).
Genome position (GRCh38, 1-based): chr10:89,012,058, C>T. VCF-style: chr10-89012058-C-T. GRCh37 (hg19) VCF-style: chr10-90771815-C-T.
Other names: c.565C>T, p.His189Tyr (NM_152871.4); c.628C>T, p.His210Tyr (NM_152872.4); c.568+1243C>T (NM_001320619.2); short protein forms H189Y, H210Y.
Identifiers: ClinVar variation 1016630 (VCV001016630.6), dbSNP rs1428151683, ClinGen allele CA377509340.

ClinVar aggregate classification (germline): Uncertain significance (1 of 4 stars; one submission).

Conditions:
Autoimmune lymphoproliferative syndrome type 1. Also called: AUTOIMMUNE LYMPHOPROLIFERATIVE SYNDROME, TYPE I, AUTOSOMAL DOMINANT. Identifiers: Orphanet 3261, MedGen C2717884, MONDO:0011158, OMIM 601859.

Allele frequency attached by ClinVar (database versions not stated): TOPMed 0.00001; gnomAD 0.00002.
gnomAD v4.1: 3 of 1,613,604 alleles (0.00019%); highest among the groups gnomAD compares: Admixed American, 0.005%; no homozygotes.

Submission:

Labcorp Genetics (formerly Invitae), Labcorp
Classification: Uncertain significance for Autoimmune lymphoproliferative syndrome. Last evaluated: 2022-06-28. Review status: criteria provided, single submitter. Criteria: Invitae Variant Classification Sherloc (09022015). Collection method: clinical testing. Allele origin: germline.
Comment: In summary, the available evidence is currently insufficient to determine the role of this variant in disease. Therefore, it has been classified as a Variant of Uncertain Significance. This sequence change replaces histidine, which is basic and polar, with tyrosine, which is neutral and polar, at codon 210 of the FAS protein (p.His210Tyr). This variant is not present in population databases (gnomAD no frequency). This variant has not been reported in the literature in individuals affected with FAS-related conditions. ClinVar contains an entry for this variant (Variation ID: 1016630). Algorithms developed to predict the effect of missense changes on protein structure and function are either unavailable or do not agree on the potential impact of this missense change (SIFT: "Not Available"; PolyPhen-2: "Benign"; Align-GVGD: "Not Available"). Algorithms developed to predict the effect of sequence changes on RNA splicing suggest that this variant may create or strengthen a splice site.